The following is an entry in ClinVar:

NM_001374385.1(ATP8B1):c.650G>A (p.Ser217Asn)

Gene: ATP8B1 (ATPase phospholipid transporting 8B1; minus strand). Cytogenetic location: 18q21.31.
Variant type: single nucleotide variant.
Coding change: c.650G>A on transcript NM_001374385.1 (MANE Select); coding-DNA position 650, G replaced by A.
Protein change: p.Ser217Asn; replaces serine 217 with asparagine.
Molecular consequence: missense variant.
Genome position (GRCh38, 1-based): chr18:57,697,666, C>T on the plus strand (G>A on the coding strand, the complement: ATP8B1 is on the minus strand). VCF-style: chr18-57697666-C-T. GRCh37 (hg19) VCF-style: chr18-55364898-C-T.
Other names: c.500G>A, p.Ser167Asn (NM_001374386.1); c.650G>A, p.Ser217Asn (NM_005603.6); short protein forms S167N, S217N.
Identifiers: ClinVar variation 4846283 (VCV004846283.1).
Genomic context (GRCh38, chr18:57,697,666, plus strand): 5'-AGACACACTTACCCATCCAGTTCTGCTGTTTCCACATAGCAGAGGCTGTTAGGCTCAGAG[C>T]TAGACAGCAGGAGAATGTCAGCCTGTCCAAAACAAAACACACAAATAACACCGAGACCCT-3'
Protein context (NP_001361314.1, residues 207-227): FVPADILLLS[Ser217Asn]SEPNSLCYVE

ClinVar aggregate classification (germline): Uncertain significance (1 of 4 stars; one submission).

Conditions:
Familial intrahepatic cholestasis. Identifiers: Orphanet 284385, MedGen CN296401, MONDO:0017290.

gnomAD v4.1: 1 of 1,614,010 alleles (0.000062%); highest among the groups gnomAD compares: Non-Finnish European, 0.000085%; no homozygotes.

Submission:

Genomenon, Inc
Classification: Uncertain significance for Familial intrahepatic cholestasis. Last evaluated: 2026-04-14. Review status: criteria provided, single submitter. Criteria: Genomenon Sequence Variant Interpretation Standards - Updated. Collection method: curation. Allele origin: germline. Affected: yes.
Comment: ATP8B1 p.Ser217Asn (c.650G>A) is a missense variant that changes the amino acid at residue 217 from Serine to Asparagine. This variant has been observed in at least one proband with features of ATP8B1-deficiency (PMID:28733223). It is absent or not present at a significant frequency in gnomAD. In conclusion, we classify ATP8B1 p.Ser217Asn (c.650G>A) as a variant of uncertain significance.

Literature cited by the submitters: PubMed 28733223.